The following is an entry in ClinVar:

NM_001148.6(ANK2):c.196A>C (p.Asn66His)

Gene: ANK2 (ankyrin 2; plus strand). Cytogenetic location: 4q25.
Variant type: single nucleotide variant.
Coding change: c.196A>C on transcript NM_001148.6 (MANE Select); coding-DNA position 196, A replaced by C.
Protein change: p.Asn66His; replaces asparagine 66 with histidine.
Molecular consequence: missense variant.
Genome position (GRCh38, 1-based): chr4:113,196,377, A>C. VCF-style: chr4-113196377-A-C. GRCh37 (hg19) VCF-style: chr4-114117533-A-C.
Other names: c.133A>C, p.Asn45His (NM_001354244.2, NM_001354249.2, NM_001354252.2 and 33 more transcripts); c.196A>C, p.Asn66His (NM_001354245.2, NM_001354246.2, NM_001354258.2 and 9 more transcripts); c.178A>C, p.Asn60His (NM_001354261.2, NM_001386147.1, NM_001386160.1); c.241A>C, p.Asn81His (NM_001354230.2, NM_001386144.1, NM_001386152.1 and 5 more transcripts); c.184A>C, p.Asn62His (NM_001354269.3, NM_001386148.2, NM_001386186.2 and 1 more transcripts); c.247A>C, p.Asn83His (NM_001386174.1, NM_001386175.1); short protein forms N66H, N83H, N81H, N60H, N45H, N62H.
Identifiers: ClinVar variation 3702753 (VCV003702753.2).
Genomic context (GRCh38, chr4:113,196,377, plus strand): 5'-TATTTTCCTCATTACTTCACTTCTTAAAGCCTTGTTTGTTTCTTCTCTCAGAATGGACTC[A>C]ACGCTCTCCATCTGGCTGCCAAGGAAGGCCACGTGGGGCTGGTGCAGGAGCTGCTGGGAA-3'
Protein context (NP_001139.3, residues 56-76): DINTCNQNGL[Asn66His]ALHLAAKEGH

ClinVar aggregate classification (germline): Uncertain significance (1 of 4 stars; one submission).

Conditions:
Long QT syndrome (LQTS). Identifiers: MedGen C0023976, MeSH D008133, MONDO:0002442. Disease mechanism: loss of function. Inheritance: Various modes of inheritance.

Submission:

Labcorp Genetics (formerly Invitae), Labcorp
Classification: Uncertain significance for Long QT syndrome. Last evaluated: 2024-07-13. Review status: criteria provided, single submitter. Criteria: Invitae Variant Classification Sherloc (09022015). Collection method: clinical testing. Allele origin: germline.
Comment: This sequence change replaces asparagine, which is neutral and polar, with histidine, which is basic and polar, at codon 66 of the ANK2 protein (p.Asn66His). This variant is not present in population databases (gnomAD no frequency). This variant has not been reported in the literature in individuals affected with ANK2-related conditions. Advanced modeling of protein sequence and biophysical properties (such as structural, functional, and spatial information, amino acid conservation, physicochemical variation, residue mobility, and thermodynamic stability) performed at Invitae indicates that this missense variant is not expected to disrupt ANK2 protein function with a negative predictive value of 80%. In summary, the available evidence is currently insufficient to determine the role of this variant in disease. Therefore, it has been classified as a Variant of Uncertain Significance.